The following is an entry in ClinVar:

ClinVar aggregate classification (germline): Pathogenic (1 of 4 stars; one submission).

Conditions:
T-cell immunodeficiency, congenital alopecia, and nail dystrophy. Also called: Congenital alopecia and nail dystrophy associated with severe functional T-cell immunodeficiency; Pignata Guarino syndrome. Identifiers: Orphanet 169095, MedGen C1866426, MONDO:0011132, OMIM 601705.

Submission:

Labcorp Genetics (formerly Invitae), Labcorp
Classification: Pathogenic for T-cell immunodeficiency, congenital alopecia, and nail dystrophy. Last evaluated: 2023-06-15. Review status: criteria provided, single submitter. Criteria: Invitae Variant Classification Sherloc (09022015). Collection method: clinical testing. Allele origin: germline.
Comment: This sequence change creates a premature translational stop signal (p.Leu442Thrfs*104) in the FOXN1 gene. While this is not anticipated to result in nonsense mediated decay, it is expected to disrupt the last 207 amino acid(s) of the FOXN1 protein. This variant is not present in population databases (gnomAD no frequency). This variant has not been reported in the literature in individuals affected with FOXN1-related conditions. This variant disrupts a region of the FOXN1 protein in which other variant(s) (p.Gln489Argfs*61) have been determined to be pathogenic (PMID: 31566583; Invitae). This suggests that this is a clinically significant region of the protein, and that variants that disrupt it are likely to be disease-causing. For these reasons, this variant has been classified as Pathogenic.

Literature cited by the submitters: PubMed 31566583.

NM_001369369.1(FOXN1):c.1324_1336del (p.Leu442fs)

Gene: FOXN1 (forkhead box N1; plus strand). Cytogenetic location: 17q11.2.
Variant type: Deletion.
Coding change: c.1324_1336del on transcript NM_001369369.1 (MANE Select); coding-DNA positions 1324 to 1336, 13 bases deleted (CTACTTATGGGGC).
Protein change: p.Leu442fs; shifts the reading frame from leucine 442.
Molecular consequence: frameshift variant.
Genome position (GRCh38, 1-based): chr17:28,534,895-28,534,907, CTACTTATGGGGC deleted; deleting any 13 consecutive bases within chr17:28,534,894-28,534,907 gives the same sequence; the c. name uses the placement nearest the transcript's 3' end. VCF-style (leftmost placement, unchanged base first): chr17-28534893-ACCTACTTATGGGG-A. GRCh37 (hg19) VCF-style: chr17-26861911-ACCTACTTATGGGG-A.
Other names: c.1324_1336del, p.Leu442fs (NM_003593.3); short protein forms L442fs.
Identifiers: ClinVar variation 2716400 (VCV002716400.3), dbSNP rs2508429181, ClinGen allele CA2697559534.